The following is an entry in ClinVar:

ClinVar aggregate classification (germline): Likely benign. Review status: criteria provided, multiple submitters, no conflicts (2 of 4 stars). 3 submissions from 3 submitters: Likely benign (2). 1 of the submissions does not count toward it. Last evaluated 2026-01-24.

Conditions:
Pyruvate carboxylase deficiency. Also called: Pyruvate Carboxylase Deficiency Disease; ATAXIA WITH LACTIC ACIDOSIS II; LEIGH NECROTIZING ENCEPHALOPATHY DUE TO PYRUVATE CARBOXYLASE DEFICIENCY; LEIGH SYNDROME DUE TO PYRUVATE CARBOXYLASE DEFICIENCY; PC DEFICIENCY. Identifiers: Orphanet 3008, MedGen C0034341, MONDO:0009949, OMIM 266150.
PC-related disorder. Also called: PC-related condition.

Allele frequency attached by ClinVar (database versions not stated): gnomAD exomes 0.00004 and 0.00008; gnomAD 0.00005; TOPMed 0.00005; ExAC 0.00007.
gnomAD v4.1: 124 of 1,613,398 alleles (0.0077%); highest among the groups gnomAD compares: Non-Finnish European, 0.0097%; no homozygotes.

Submissions (3):

Labcorp Genetics (formerly Invitae), Labcorp
Classification: Likely benign for Pyruvate carboxylase deficiency. Last evaluated: 2026-01-24. Review status: criteria provided, single submitter. Criteria: Invitae Variant Classification Sherloc (09022015). Collection method: clinical testing. Allele origin: germline.

CeGaT Center for Human Genetics Tuebingen
Classification: Likely benign. Last evaluated: 2022-05-01. Review status: criteria provided, single submitter. Criteria: CeGaT Center For Human Genetics Tuebingen Variant Classification Criteria Version 2. Collection method: clinical testing. Allele origin: germline. Affected: yes. Observed: 1 variant allele.
Comment: PC: BP4, BP7

PreventionGenetics, part of Exact Sciences
Classification: Likely benign for PC-related condition. Last evaluated: 2021-12-19. Review status: no assertion criteria provided. Collection method: clinical testing. Allele origin: germline. Not counted in ClinVar's aggregate classification.
Comment: This variant is classified as likely benign based on ACMG/AMP sequence variant interpretation guidelines (Richards et al. 2015 PMID: 25741868, with internal and published modifications).

NM_001040716.2(PC):c.3192C>T (p.Ala1064=)

Gene: PC (pyruvate carboxylase; minus strand). Cytogenetic location: 11q13.2.
Variant type: single nucleotide variant.
Coding change: c.3192C>T on transcript NM_001040716.2 (MANE Select); coding-DNA position 3192, C replaced by T.
Protein change: p.Ala1064=; no amino-acid change (alanine 1064 retained).
Molecular consequence: synonymous variant.
Genome position (GRCh38, 1-based): chr11:66,849,326, G>A on the plus strand (C>T on the coding strand, the complement: PC is on the minus strand). VCF-style: chr11-66849326-G-A. GRCh37 (hg19) VCF-style: chr11-66616797-G-A.
Other names: c.3192C>T (NM_001040716.1); c.3192C>T, p.Ala1064= (NM_000920.4, NM_022172.3).
Identifiers: ClinVar variation 1122386 (VCV001122386.40), dbSNP rs751541124, ClinGen allele CA6130865.
Genomic context (GRCh38, chr11:66,849,326, plus strand): 5'-CAGCTGCCCATTGAGCTCAAAGAAGACCTGCCTCTGGCCGGCCCGGTTCAGGTCGCTCAC[G>A]GCCAGGGCTTTGATGTGCAGCGTCTTGCCCCGCTCCAGCTCCACCTGCAGGGAGGGTGTG-3'
Protein context (NP_001035806.1, residues 1054-1074): RGKTLHIKAL[Ala1064=]VSDLNRAGQR